The following is an entry in ClinVar:

ClinVar aggregate classification (germline): Pathogenic (1 of 4 stars; one submission).

Conditions:
Hereditary spastic paraplegia 49 (HSAN9). Also called: TECPR2-Related Hereditary Sensory and Autonomic Neuropathy with Intellectual Disability; NEUROPATHY, HEREDITARY SENSORY AND AUTONOMIC, TYPE IX, WITH DEVELOPMENTAL DELAY; Spastic paraplegia 49, autosomal recessive. Identifiers: Orphanet 320385, MedGen C5190860, MONDO:0014016, OMIM 615031.

Submission:

Myriad Genetics, Inc.
Classification: Pathogenic for Hereditary spastic paraplegia 49. Last evaluated: 2026-03-06. Review status: criteria provided, single submitter. Criteria: Myriad Autosomal Dominant, Autosomal Recessive and X-Linked Classification Criteria (2023). Collection method: clinical testing. Allele origin: unknown.
Comment: NM_014844.3(TECPR2):c.2217G>A(W739*) is a nonsense variant classified as pathogenic in the context of spastic paraplegia, TECPR2-related. W739* has not been observed in cases with relevant disease. Relevant functional assessments of this variant are not available in the literature. W739* has not been observed in referenced population frequency databases. In summary, NM_014844.3(TECPR2):c.2217G>A(W739*) is a nonsense variant in a gene where loss of function is a known mechanism of disease and is predicted to disrupt protein function. Please note: this variant was assessed in the context of healthy population screening.

NM_014844.5(TECPR2):c.2217G>A (p.Trp739Ter)

Gene: TECPR2 (tectonin beta-propeller repeat containing 2; plus strand). Cytogenetic location: 14q32.31.
Variant type: single nucleotide variant.
Coding change: c.2217G>A on transcript NM_014844.5 (MANE Select); coding-DNA position 2217, G replaced by A.
Protein change: p.Trp739Ter; replaces tryptophan 739 with a stop codon.
Molecular consequence: nonsense.
Genome position (GRCh38, 1-based): chr14:102,435,034, G>A. VCF-style: chr14-102435034-G-A. GRCh37 (hg19) VCF-style: chr14-102901371-G-A.
Other names: c.2217G>A, p.Trp739Ter (NM_001172631.3); short protein forms W739*.
Identifiers: ClinVar variation 5003691 (VCV005003691.1).